The following is an entry in ClinVar:

NM_001193424.2(SUV39H2):c.850-295C>G

Genes: DCLRE1C (DNA cross-link repair 1C; minus strand), SUV39H2 (SUV39H2 histone lysine methyltransferase; plus strand). Cytogenetic location: 10p13.
Variant type: single nucleotide variant.
Coding change: c.850-295C>G on transcript NM_001193424.2 (MANE Select); 295 bases into the intron before coding-DNA position 850, C replaced by G.
Molecular consequence: intron variant. On other transcripts: 3 prime UTR variant (3), non-coding transcript variant (1).
Genome position (GRCh38, 1-based): chr10:14,899,244, C>G. VCF-style: chr10-14899244-C-G. GRCh37 (hg19) VCF-style: chr10-14941243-C-G.
Other names: c.*6G>C (NM_001350965.2, NM_001350966.2, NM_001350967.2); c.670-295C>G (NM_024670.4, NM_001193425.2); c.130-295C>G (NM_001193427.2); c.310-295C>G (NM_001193426.2).
Identifiers: ClinVar variation 3043912 (VCV003043912.2), dbSNP rs978587789, ClinGen allele CA203418345.
Genomic context (GRCh38, chr10:14,899,244, plus strand): 5'-GGCGGTATGCACCTGTGATCCAGCTAGTCAGGAGGCTGAGGCAGGAAGATCGCTTGATCC[C>G]AGGAGTTAAAGGATACAGGGAGTCATGATGGCACCACCGCATTCTAGCCTGAGTGACAGA-3'

ClinVar aggregate classification (germline): Likely benign (0 of 4 stars; one submission).

Conditions:
SUV39H2-related disorder. Also called: SUV39H2-related condition.

Allele frequency attached by ClinVar (database versions not stated): gnomAD exomes 0.00002; gnomAD 0.00004; TOPMed 0.00004.
gnomAD v4.1: 19 of 702,000 alleles (0.0027%); highest among the groups gnomAD compares: Middle Eastern, 0.07%; no homozygotes.

Submission:

PreventionGenetics, part of Exact Sciences
Classification: Likely benign for SUV39H2-related condition. Last evaluated: 2019-06-05. Review status: no assertion criteria provided. Collection method: clinical testing. Allele origin: germline.
Comment: This variant is classified as likely benign based on ACMG/AMP sequence variant interpretation guidelines (Richards et al. 2015 PMID: 25741868, with internal and published modifications).